The following is an entry in ClinVar:

NM_001127208.3(TET2):c.5167C>T (p.Pro1723Ser)

Genes: TET2 (tet methylcytosine dioxygenase 2; plus strand), TET2-AS1 (TET2 antisense RNA 1; minus strand). Cytogenetic location: 4q24.
Variant type: single nucleotide variant.
Coding change: c.5167C>T on transcript NM_001127208.3 (MANE Select); coding-DNA position 5167, C replaced by T.
Protein change: p.Pro1723Ser; replaces proline 1723 with serine.
Molecular consequence: missense variant.
Genome position (GRCh38, 1-based): chr4:105,275,677, C>T. VCF-style: chr4-105275677-C-T. GRCh37 (hg19) VCF-style: chr4-106196834-C-T.
Other names: short protein forms P1723S.
Identifiers: ClinVar variation 135292 (VCV000135292.38), dbSNP rs146348065, ClinGen allele CA162243.

ClinVar aggregate classification (germline): Benign. Review status: criteria provided, multiple submitters, no conflicts (2 of 4 stars). 6 submissions from 6 submitters: Benign (5). 1 of the submissions does not count toward it. Last evaluated 2026-09-01.

Allele frequency attached by ClinVar (database versions not stated): 1000 Genomes Project 0.00240; 1000 Genomes Project 30x 0.00281; ExAC 0.00589; gnomAD 0.00663 and 0.00671; TOPMed 0.00700; gnomAD exomes 0.00727 and 0.01111; ESP Exome Variant Server 0.00854.
gnomAD v4.1: 16,433 of 1,551,848 alleles (1.1%); highest among the groups gnomAD compares: Non-Finnish European, 1.3%; 113 homozygotes.

Submissions (6):

CeGaT Center for Human Genetics Tuebingen
Classification: Benign. Last evaluated: 2026-09-01. Review status: criteria provided, single submitter. Criteria: CeGaT Center For Human Genetics Tuebingen Variant Classification Criteria Version 2. Collection method: clinical testing. Allele origin: germline. Affected: yes. Observed: 17 variant alleles.
Comment: TET2: BP4, BS1, BS2

Labcorp Genetics (formerly Invitae), Labcorp
Classification: Benign. Last evaluated: 2026-01-26. Review status: criteria provided, single submitter. Criteria: Invitae Variant Classification Sherloc (09022015). Collection method: clinical testing. Allele origin: germline.

Mayo Clinic Laboratories, Mayo Clinic
Classification: Benign. Last evaluated: 2023-06-07. Review status: criteria provided, single submitter. Criteria: ACMG Guidelines, 2015. Collection method: clinical testing. Allele origin: germline. Observed: 5 variant alleles.
Comment: BS1, BS2, BP4

Genetic Services Laboratory, University of Chicago
Classification: Benign. Last evaluated: 2021-04-28. Review status: criteria provided, single submitter. Criteria: ACMG Guidelines, 2015. Collection method: clinical testing. Allele origin: germline. Affected: no.

Breakthrough Genomics
Classification: Benign. Review status: criteria provided, single submitter. Criteria: ACMG Guidelines, 2015. Collection method: not provided. Allele origin: germline. Inheritance: Autosomal recessive inheritance. Affected: yes.

ITMI
No classification provided. Condition: AllHighlyPenetrant. Last evaluated: 2013-09-19. Review status: no classification provided. Collection method: reference population. Allele origin: germline. Not counted in ClinVar's aggregate classification.
Comment: Please see associated publication for description of ethnicities

Literature cited by the submitters: PubMed 24728327 (cited by ITMI).